The following is an entry in ClinVar:

NM_001113378.2(FANCI):c.443A>G (p.Lys148Arg)

Gene: FANCI (FA complementation group I; plus strand). Cytogenetic location: 15q26.1.
Variant type: single nucleotide variant.
Coding change: c.443A>G on transcript NM_001113378.2 (MANE Select); coding-DNA position 443, A replaced by G.
Protein change: p.Lys148Arg; replaces lysine 148 with arginine.
Molecular consequence: missense variant.
Genome position (GRCh38, 1-based): chr15:89,261,739, A>G. VCF-style: chr15-89261739-A-G. GRCh37 (hg19) VCF-style: chr15-89804970-A-G.
Other names: c.164A>G, p.Lys55Arg (NM_001376910.1); c.443A>G, p.Lys148Arg (NM_001376911.1, NM_018193.3); short protein forms K55R, K148R.
Identifiers: ClinVar variation 1401211 (VCV001401211.4), dbSNP rs1282962332, ClinGen allele CA393738478.

ClinVar aggregate classification (germline): Uncertain significance (1 of 4 stars; one submission).

Conditions:
Fanconi anemia (FA). Also called: Fanconi's anemia. Identifiers: Orphanet 84, MedGen C0015625, MeSH D005199, MONDO:0019391.

Allele frequency attached by ClinVar (database versions not stated): gnomAD exomes below 0.00001.

Submission:

Labcorp Genetics (formerly Invitae), Labcorp
Classification: Uncertain significance for Fanconi anemia. Last evaluated: 2024-05-16. Review status: criteria provided, single submitter. Criteria: Invitae Variant Classification Sherloc (09022015). Collection method: clinical testing. Allele origin: germline.
Comment: This sequence change replaces lysine, which is basic and polar, with arginine, which is basic and polar, at codon 148 of the FANCI protein (p.Lys148Arg). This variant is present in population databases (no rsID available, gnomAD 0.003%). This variant has not been reported in the literature in individuals affected with FANCI-related conditions. ClinVar contains an entry for this variant (Variation ID: 1401211). An algorithm developed to predict the effect of missense changes on protein structure and function (PolyPhen-2) suggests that this variant is likely to be disruptive. In summary, the available evidence is currently insufficient to determine the role of this variant in disease. Therefore, it has been classified as a Variant of Uncertain Significance.